The following is an entry in ClinVar:

NM_018292.5(QRSL1):c.761A>T (p.Asp254Val)

Gene: QRSL1 (glutaminyl-tRNA amidotransferase subunit QRSL1; plus strand). Cytogenetic location: 6q21.
Variant type: single nucleotide variant.
Coding change: c.761A>T on transcript NM_018292.5 (MANE Select); coding-DNA position 761, A replaced by T.
Protein change: p.Asp254Val; replaces aspartic acid 254 with valine.
Molecular consequence: missense variant.
Genome position (GRCh38, 1-based): chr6:106,652,494, A>T. VCF-style: chr6-106652494-A-T. GRCh37 (hg19) VCF-style: chr6-107100369-A-T.
Other names: short protein forms D254V.
Identifiers: ClinVar variation 1979301 (VCV001979301.3), dbSNP rs148734046, ClinGen allele CA3944851.

ClinVar aggregate classification (germline): Uncertain significance (1 of 4 stars; one submission).

Allele frequency attached by ClinVar (database versions not stated): TOPMed 0.00002; gnomAD 0.00005; ESP Exome Variant Server 0.00015.
gnomAD v4.1: 64 of 1,614,056 alleles (0.004%); highest among the groups gnomAD compares: Non-Finnish European, 0.0051%; no homozygotes.

Submission:

Labcorp Genetics (formerly Invitae), Labcorp
Classification: Uncertain significance. Last evaluated: 2022-09-13. Review status: criteria provided, single submitter. Criteria: Invitae Variant Classification Sherloc (09022015). Collection method: clinical testing. Allele origin: germline.
Comment: This sequence change replaces aspartic acid, which is acidic and polar, with valine, which is neutral and non-polar, at codon 254 of the QRSL1 protein (p.Asp254Val). This variant is present in population databases (rs148734046, gnomAD 0.01%). This variant has not been reported in the literature in individuals affected with QRSL1-related conditions. Advanced modeling of protein sequence and biophysical properties (such as structural, functional, and spatial information, amino acid conservation, physicochemical variation, residue mobility, and thermodynamic stability) performed at Invitae indicates that this missense variant is expected to disrupt QRSL1 protein function. In summary, the available evidence is currently insufficient to determine the role of this variant in disease. Therefore, it has been classified as a Variant of Uncertain Significance.